The following is an entry in ClinVar:

ClinVar aggregate classification (germline): Likely benign (1 of 4 stars; one submission).

gnomAD v4.1: 6,288 of 1,614,098 alleles (0.39%); highest among the groups gnomAD compares: Non-Finnish European, 0.5%; 16 homozygotes.

Submission:

CeGaT Center for Human Genetics Tuebingen
Classification: Likely benign. Last evaluated: 2026-02-01. Review status: criteria provided, single submitter. Criteria: CeGaT Center For Human Genetics Tuebingen Variant Classification Criteria Version 2. Collection method: clinical testing. Allele origin: germline. Affected: yes. Observed: 1 variant allele.
Comment: VTCN1: BS2

NM_024626.4(VTCN1):c.575C>T (p.Ser192Leu)

Gene: VTCN1 (V-set domain containing T cell activation inhibitor 1; minus strand). Cytogenetic location: 1p13.1.
Variant type: single nucleotide variant.
Coding change: c.575C>T on transcript NM_024626.4 (MANE Select); coding-DNA position 575, C replaced by T.
Protein change: p.Ser192Leu; replaces serine 192 with leucine.
Molecular consequence: missense variant. On other transcripts: non-coding transcript variant (2).
Genome position (GRCh38, 1-based): chr1:117,153,240, G>A on the plus strand (C>T on the coding strand, the complement: VTCN1 is on the minus strand). VCF-style: chr1-117153240-G-A. GRCh37 (hg19) VCF-style: chr1-117695862-G-A.
Other names: c.290C>T, p.Ser97Leu (NM_001253849.2); c.227C>T, p.Ser76Leu (NM_001253850.2); short protein forms S192L, S76L, S97L.
Identifiers: ClinVar variation 4820851 (VCV004820851.4).